The following is an entry in ClinVar:

ClinVar aggregate classification (germline): Uncertain significance. Review status: criteria provided, single submitter (1 of 4 stars). 2 submissions from 2 submitters: Uncertain significance (1). 1 of the submissions does not count toward it. Last evaluated 2023-07-27.

Conditions:
Familial dysautonomia. Also called: FD; HSAN III. Identifiers: Orphanet 1764, MedGen C0013364, MONDO:0009131, OMIM 223900. Disease mechanism: loss of function.

Submissions (2):

Women's Health and Genetics/Laboratory Corporation of America, LabCorp
Classification: Uncertain significance. Last evaluated: 2023-07-27. Review status: criteria provided, single submitter. Criteria: LabCorp Variant Classification Summary - May 2015. Collection method: clinical testing. Allele origin: germline.
Comment: Variant summary: ELP1 c.2528A>G (p.His843Arg) results in a non-conservative amino acid change in the encoded protein sequence. Two of four in-silico tools predict a benign effect of the variant on protein function. The variant was absent in 251280 control chromosomes (gnomAD). The available data on variant occurrences in the general population are insufficient to allow any conclusion about variant significance. To our knowledge, no occurrence of c.2528A>G in individuals affected with Familial Dysautonomia and no experimental evidence demonstrating its impact on protein function have been reported. One submitter has cited clinical-significance assessments for this variant to ClinVar after 2014 and has classified the variant as uncertain significance. Based on the evidence outlined above, the variant was classified as uncertain significance.

Natera, Inc.
Classification: Uncertain significance for Familial dysautonomia. Last evaluated: 2020-09-12. Review status: no assertion criteria provided. Collection method: clinical testing. Allele origin: germline. Not counted in ClinVar's aggregate classification.

NM_003640.5(ELP1):c.2528A>G (p.His843Arg)

Gene: ELP1 (elongator acetyltransferase complex subunit 1; minus strand). Cytogenetic location: 9q31.3.
Variant type: single nucleotide variant.
Coding change: c.2528A>G on transcript NM_003640.5 (MANE Select); coding-DNA position 2528, A replaced by G.
Protein change: p.His843Arg; replaces histidine 843 with arginine.
Molecular consequence: missense variant.
Genome position (GRCh38, 1-based): chr9:108,897,012, T>C on the plus strand (A>G on the coding strand, the complement: ELP1 is on the minus strand). VCF-style: chr9-108897012-T-C. GRCh37 (hg19) VCF-style: chr9-111659292-T-C.
Other names: c.2186A>G, p.His729Arg (NM_001318360.2); c.1481A>G, p.His494Arg (NM_001330749.2); c.2528A>G (NM_003640.4); short protein forms H494R, H729R, H843R.
Identifiers: ClinVar variation 989530 (VCV000989530.2), dbSNP rs1828577961, ClinGen allele CA374420613.